The following is an entry in ClinVar:

NM_080732.4(EGLN2):c.1037G>A (p.Arg346Gln)

Genes: EGLN2 (egl-9 family hypoxia inducible factor 2; plus strand), RAB4B-EGLN2 (RAB4B-EGLN2 readthrough (NMD candidate); plus strand). Cytogenetic location: 19q13.2.
Variant type: single nucleotide variant.
Coding change: c.1037G>A on transcript NM_080732.4 (MANE Select); coding-DNA position 1037, G replaced by A.
Protein change: p.Arg346Gln; replaces arginine 346 with glutamine.
Molecular consequence: missense variant. On other transcripts: non-coding transcript variant (1).
Genome position (GRCh38, 1-based): chr19:40,807,211, G>A. VCF-style: chr19-40807211-G-A. GRCh37 (hg19) VCF-style: chr19-41313116-G-A.
Other names: c.1037G>A, p.Arg346Gln (NM_053046.4); short protein forms R346Q.
Identifiers: ClinVar variation 1772932 (VCV001772932.2), dbSNP rs2516008757, ClinGen allele CA405956540.

ClinVar aggregate classification (germline): Uncertain significance (1 of 4 stars; one submission).

Allele frequency attached by ClinVar (database versions not stated): gnomAD exomes below 0.00001.
gnomAD v4.1: 3 of 1,614,180 alleles (0.00019%); highest among the groups gnomAD compares: Non-Finnish European, 0.00017%; no homozygotes.

Submission:

Ambry Genetics
Classification: Uncertain significance. Last evaluated: 2021-08-21. Review status: criteria provided, single submitter. Criteria: Ambry Variant Classification Scheme 2023. Collection method: clinical testing. Allele origin: germline.
Comment: The p.R346Q variant (also known as c.1037G>A), located in coding exon 3 of the EGLN2 gene, results from a G to A substitution at nucleotide position 1037. The arginine at codon 346 is replaced by glutamine, an amino acid with highly similar properties. This amino acid position is conserved. In addition, this alteration is predicted to be deleterious by in silico analysis. Since supporting evidence is limited at this time, the clinical significance of this alteration remains unclear.